The following is an entry in ClinVar:

NM_032520.5(GNPTG):c.179-3C>T

Gene: GNPTG (N-acetylglucosamine-1-phosphate transferase subunit gamma; plus strand). Cytogenetic location: 16p13.3.
Variant type: single nucleotide variant.
Coding change: c.179-3C>T on transcript NM_032520.5 (MANE Select); 3 bases into the intron before coding-DNA position 179, C replaced by T.
Molecular consequence: intron variant.
Genome position (GRCh38, 1-based): chr16:1,361,740, C>T. VCF-style: chr16-1361740-C-T. GRCh37 (hg19) VCF-style: chr16-1411741-C-T.
Identifiers: ClinVar variation 1052770 (VCV001052770.11), dbSNP rs2034884159, ClinGen allele CA2499223213.

ClinVar aggregate classification (germline): Uncertain significance. Review status: criteria provided, single submitter (1 of 4 stars). 2 submissions from 2 submitters: Uncertain significance (1). 1 of the submissions does not count toward it. Last evaluated 2020-01-03.

Conditions:
GNPTG-mucolipidosis. Also called: MUCOLIPIDOSIS III, COMPLEMENTATION GROUP C; MUCOLIPIDOSIS III, IRANIAN VARIANT FORM; MUCOLIPIDOSIS III, VARIANT FORM; Mucolipidosis type III gamma; ML III GAMMA; ML IIIC. Identifiers: Orphanet 423470, Orphanet 577, MedGen C1854896, MONDO:0009652, OMIM 252605.

Allele frequency attached by ClinVar (database versions not stated): gnomAD exomes below 0.00001.
gnomAD v4.1: 2 of 1,614,106 alleles (0.00012%); highest among the groups gnomAD compares: South Asian, 0.0022%; no homozygotes.

Submissions (2):

Labcorp Genetics (formerly Invitae), Labcorp
Classification: Uncertain significance. Last evaluated: 2020-01-03. Review status: criteria provided, single submitter. Criteria: Invitae Variant Classification Sherloc (09022015). Collection method: clinical testing. Allele origin: germline.
Comment: In summary, the available evidence is currently insufficient to determine the role of this variant in disease. Therefore, it has been classified as a Variant of Uncertain Significance. Nucleotide substitutions within the consensus splice site are a relatively common cause of aberrant splicing (PMID: 17576681, 9536098). Algorithms developed to predict the effect of sequence changes on RNA splicing suggest that this variant is not likely to affect RNA splicing, but this prediction has not been confirmed by published transcriptional studies. This variant has not been reported in the literature in individuals with GNPTG-related conditions. This variant is not present in population databases (ExAC no frequency). This sequence change falls in intron 3 of the GNPTG gene. It does not directly change the encoded amino acid sequence of the GNPTG protein, but it affects a nucleotide within the consensus splice site of the intron.

Natera, Inc.
Classification: Uncertain significance for Mucolipidosis III gamma. Last evaluated: 2021-07-01. Review status: no assertion criteria provided. Collection method: clinical testing. Allele origin: germline. Not counted in ClinVar's aggregate classification.

Literature cited by the submitters: PubMed 17576681 (cited by Labcorp Genetics (formerly Invitae), Labcorp); PubMed 9536098 (cited by Labcorp Genetics (formerly Invitae), Labcorp).